The following is an entry in ClinVar:

NM_001267550.2(TTN):c.75361A>G (p.Ile25121Val)

Genes: TTN-AS1 (TTN antisense RNA 1; plus strand), TTN (titin; minus strand). Cytogenetic location: 2q31.2.
Variant type: single nucleotide variant.
Coding change: c.75361A>G on transcript NM_001267550.2 (MANE Select); coding-DNA position 75361, A replaced by G.
Protein change: p.Ile25121Val; replaces isoleucine 25121 with valine.
Molecular consequence: missense variant.
Genome position (GRCh38, 1-based): chr2:178,570,771, T>C on the plus strand (A>G on the coding strand, the complement: TTN is on the minus strand). VCF-style: chr2-178570771-T-C. GRCh37 (hg19) VCF-style: chr2-179435498-T-C.
Other names: p.I23480V:ATC>GTC; c.48166A>G, p.Ile16056Val (NM_003319.4); c.48541A>G, p.Ile16181Val (NM_133432.3); c.48742A>G, p.Ile16248Val (NM_133437.4); c.70438A>G, p.Ile23480Val (NM_001256850.1); c.67657A>G, p.Ile22553Val (NM_133378.4); short protein forms I23480V, I25121V, I22553V, I16056V, I16181V, I16248V.
Identifiers: ClinVar variation 202861 (VCV000202861.29), dbSNP rs199508062, ClinGen allele CA310511.

ClinVar aggregate classification (germline): Conflicting classifications of pathogenicity. Review status: criteria provided, conflicting classifications (1 of 4 stars). 8 submissions from 8 submitters: Uncertain significance (2); Likely benign (6). Last evaluated 2026-05-04.

Conditions:
TTN-related disorder. Also called: TTN-related condition; TTN-related disease; TTN-related disorders.
Dilated cardiomyopathy 1G (CMD1G). Identifiers: Orphanet 154, MedGen C1858763, MONDO:0011400, OMIM 604145.
Autosomal recessive limb-girdle muscular dystrophy type 2J (LGMDR10). Also called: Limb-girdle muscular dystrophy, type 2J; MUSCULAR DYSTROPHY, LIMB-GIRDLE, AUTOSOMAL RECESSIVE 10. Identifiers: Orphanet 140922, MedGen C1837342, MONDO:0012127, OMIM 608807.
Cardiovascular phenotype. Identifiers: MedGen CN230736.

Allele frequency attached by ClinVar (database versions not stated): gnomAD exomes 0.00003 and 0.00007; ExAC 0.00011; gnomAD 0.00034 and 0.00036; TOPMed 0.00037; 1000 Genomes Project 0.00040; ESP Exome Variant Server 0.00041; 1000 Genomes Project 30x 0.00047.
gnomAD v4.1: 97 of 1,613,560 alleles (0.006%); highest among the groups gnomAD compares: African/African-American, 0.12%; no homozygotes.

Submissions (8):

Women's Health and Genetics/Laboratory Corporation of America, LabCorp
Classification: Likely benign. Last evaluated: 2026-05-04. Review status: criteria provided, single submitter. Criteria: LabCorp Variant Classification Summary - May 2015. Collection method: clinical testing. Allele origin: germline.
Comment: Variant summary: TTN c.67657A>G (p.Ile22553Val) results in a conservative amino acid change located in the A-band domain of the encoded protein sequence. Algorithms developed to predict the effect of missense changes on protein structure and function all suggest that this variant is likely to be tolerated. The variant allele was found at a frequency of 6.8e-05 in 248426 control chromosomes, predominantly at a frequency of 0.001 within the African or African-American subpopulation in the gnomAD database. The observed variant frequency within African or African-American control individuals in the gnomAD database exceeds the estimated maximal expected allele frequency for disease-causing variants in TTN. To our knowledge, no occurrence of c.67657A>G in individuals affected with TTN-related conditions and no experimental evidence demonstrating its impact on protein function have been reported. ClinVar contains an entry for this variant (Variation ID: 202861). Based on the evidence outlined above, the variant was classified as likely benign.

PreventionGenetics, part of Exact Sciences
Classification: Uncertain significance for TTN-related condition. Last evaluated: 2026-03-06. Review status: criteria provided, single submitter. Criteria: ACMG Guidelines, 2015. Collection method: clinical testing. Allele origin: germline.
Comment: The TTN c.75361A>G variant is predicted to result in the amino acid substitution p.Ile25121Val. To our knowledge, this variant has not been reported in the literature. This variant is reported in 0.12% of alleles in individuals of African descent in gnomAD. Although we suspect that this variant may be benign, at this time, the clinical significance of this variant is uncertain due to the absence of conclusive functional and genetic evidence.

Labcorp Genetics (formerly Invitae), Labcorp
Classification: Likely benign for Dilated cardiomyopathy 1G; Autosomal recessive limb-girdle muscular dystrophy type 2J. Last evaluated: 2026-01-28. Review status: criteria provided, single submitter. Criteria: Invitae Variant Classification Sherloc (09022015). Collection method: clinical testing. Allele origin: germline.

Revvity Omics, Revvity
Classification: Likely benign. Last evaluated: 2025-05-13. Review status: criteria provided, single submitter. Criteria: ACMG Guidelines, 2015. Collection method: clinical testing. Allele origin: germline.

GeneDx
Classification: Likely benign. Last evaluated: 2020-09-25. Review status: criteria provided, single submitter. Criteria: GeneDx Variant Classification Process June 2021. Collection method: clinical testing. Allele origin: germline. Affected: yes.

Ambry Genetics
Classification: Likely benign for Cardiovascular phenotype. Last evaluated: 2018-10-31. Review status: criteria provided, single submitter. Criteria: Ambry Variant Classification Scheme 2023. Collection method: clinical testing. Allele origin: germline.

Eurofins Ntd Llc (ga)
Classification: Uncertain significance. Last evaluated: 2018-08-24. Review status: criteria provided, single submitter. Criteria: EGL ClinVar v180209 classification definitions. Collection method: clinical testing. Allele origin: germline. Observed: 2 variant alleles, 2 heterozygotes.

Laboratory for Molecular Medicine, Mass General Brigham Personalized Medicine
Classification: Likely benign. Last evaluated: 2015-10-31. Review status: criteria provided, single submitter. Criteria: LMM Criteria. Collection method: clinical testing. Allele origin: germline. Observed: 1 variant allele.
Comment: p.Ile22553Val in exon 275 of TTN: This variant is not expected to have clinical significance due to a lack of conservation across species, including mammals. Of note, >10 mammals have a valine (Val) at this position despite high nearby amin o acid conservation. It has been identified in 0.1% (13/9804) of African chromos omes by the Exome Aggregation Consortium (ExAC; dbSNP rs199508062).